The following is an entry in ClinVar:

ClinVar aggregate classification (germline): Uncertain significance (1 of 4 stars; one submission).

Conditions:
Neurofibromatosis, type 1 (NF1). Also called: Neurofibromatosis, type I; VON RECKLINGHAUSEN DISEASE; NEUROFIBROMATOSIS, TYPE I, SOMATIC; Peripheral type neurofibromatosis. Identifiers: Orphanet 636, MedGen C0027831, MONDO:0018975, OMIM 162200. Disease mechanism: loss of function.

Submission:

Labcorp Genetics (formerly Invitae), Labcorp
Classification: Uncertain significance for Neurofibromatosis, type 1. Last evaluated: 2024-05-06. Review status: criteria provided, single submitter. Criteria: Invitae Variant Classification Sherloc (09022015). Collection method: clinical testing. Allele origin: germline.
Comment: This sequence change replaces glutamine, which is neutral and polar, with glutamic acid, which is acidic and polar, at codon 2536 of the NF1 protein (p.Gln2536Glu). This variant is not present in population databases (gnomAD no frequency). This variant has not been reported in the literature in individuals affected with NF1-related conditions. ClinVar contains an entry for this variant (Variation ID: 1471958). Advanced modeling of protein sequence and biophysical properties (such as structural, functional, and spatial information, amino acid conservation, physicochemical variation, residue mobility, and thermodynamic stability) performed at Invitae indicates that this missense variant is not expected to disrupt NF1 protein function with a negative predictive value of 95%. In summary, the available evidence is currently insufficient to determine the role of this variant in disease. Therefore, it has been classified as a Variant of Uncertain Significance.

NM_001042492.3(NF1):c.7669C>G (p.Gln2557Glu)

Gene: NF1 (neurofibromin 1; plus strand). Cytogenetic location: 17q11.2.
Variant type: single nucleotide variant.
Coding change: c.7669C>G on transcript NM_001042492.3 (MANE Select); coding-DNA position 7669, C replaced by G.
Protein change: p.Gln2557Glu; replaces glutamine 2557 with glutamic acid.
Molecular consequence: missense variant.
Genome position (GRCh38, 1-based): chr17:31,356,513, C>G. VCF-style: chr17-31356513-C-G. GRCh37 (hg19) VCF-style: chr17-29683531-C-G.
Other names: c.7606C>G, p.Gln2536Glu (NM_000267.4); short protein forms Q2557E, Q2536E.
Identifiers: ClinVar variation 1471958 (VCV001471958.8), dbSNP rs2151581157, ClinGen allele CA399018088.